The following is an entry in ClinVar:

NM_004304.5(ALK):c.4543C>A (p.Pro1515Thr)

Gene: ALK (ALK receptor tyrosine kinase; minus strand). Cytogenetic location: 2p23.2.
Variant type: single nucleotide variant.
Coding change: c.4543C>A on transcript NM_004304.5 (MANE Select); coding-DNA position 4543, C replaced by A.
Protein change: p.Pro1515Thr; replaces proline 1515 with threonine.
Molecular consequence: missense variant.
Genome position (GRCh38, 1-based): chr2:29,193,544, G>T on the plus strand (C>A on the coding strand, the complement: ALK is on the minus strand). VCF-style: chr2-29193544-G-T. GRCh37 (hg19) VCF-style: chr2-29416410-G-T.
Other names: c.4543C>A (NM_004304.4); c.1339C>A, p.Pro447Thr (NM_001353765.2); short protein forms P1515T, P447T.
Identifiers: ClinVar variation 2675809 (VCV002675809.5), dbSNP rs1275772350, ClinGen allele CA346460860.

ClinVar aggregate classification (germline): Uncertain significance. Review status: criteria provided, multiple submitters, no conflicts (2 of 4 stars). 3 submissions from 3 submitters: Uncertain significance (3). Last evaluated 2025-06-03.

Conditions:
Neuroblastoma, susceptibility to, 3. Also called: ALK-Related Neuroblastic Tumor Susceptibility. Identifiers: Orphanet 635, MedGen C2751681, MONDO:0013083, OMIM 613014.
Hereditary cancer-predisposing syndrome. Also called: Tumor predisposition; Neoplastic Syndromes, Hereditary; Hereditary Cancer Syndrome; Hereditary neoplastic syndrome. Identifiers: Orphanet 140162, MedGen C0027672, MeSH D009386, MONDO:0015356.

Allele frequency attached by ClinVar (database versions not stated): TOPMed below 0.00001; gnomAD 0.00001.
gnomAD v4.1: 1 of 1,614,096 alleles (0.000062%); no homozygotes.

Submissions (3):

Ambry Genetics
Classification: Uncertain significance for Hereditary cancer-predisposing syndrome. Last evaluated: 2025-06-03. Review status: criteria provided, single submitter. Criteria: Ambry Variant Classification Scheme 2023. Collection method: clinical testing. Allele origin: germline.

Labcorp Genetics (formerly Invitae), Labcorp
Classification: Uncertain significance for Neuroblastoma, susceptibility to, 3. Last evaluated: 2024-01-19. Review status: criteria provided, single submitter. Criteria: Invitae Variant Classification Sherloc (09022015). Collection method: clinical testing. Allele origin: germline.
Comment: This sequence change replaces proline, which is neutral and non-polar, with threonine, which is neutral and polar, at codon 1515 of the ALK protein (p.Pro1515Thr). This variant is not present in population databases (gnomAD no frequency). This variant has not been reported in the literature in individuals affected with ALK-related conditions. An algorithm developed to predict the effect of missense changes on protein structure and function (PolyPhen-2) suggests that this variant is likely to be disruptive. In summary, the available evidence is currently insufficient to determine the role of this variant in disease. Therefore, it has been classified as a Variant of Uncertain Significance.

Baylor Genetics
Classification: Uncertain significance for Neuroblastoma, susceptibility to, 3. Last evaluated: 2023-10-09. Review status: criteria provided, single submitter. Criteria: ACMG Guidelines, 2015. Collection method: clinical testing. Allele origin: unknown.